The following is an entry in ClinVar:

NM_172107.4(KCNQ2):c.1511G>A (p.Arg504Gln)

Gene: KCNQ2 (potassium voltage-gated channel subfamily Q member 2; minus strand). Cytogenetic location: 20q13.33.
Variant type: single nucleotide variant.
Coding change: c.1511G>A on transcript NM_172107.4 (MANE Select); coding-DNA position 1511, G replaced by A.
Protein change: p.Arg504Gln; replaces arginine 504 with glutamine.
Molecular consequence: missense variant.
Genome position (GRCh38, 1-based): chr20:63,414,917, C>T on the plus strand (G>A on the coding strand, the complement: KCNQ2 is on the minus strand). VCF-style: chr20-63414917-C-T. GRCh37 (hg19) VCF-style: chr20-62046270-C-T.
Other names: c.1457G>A, p.Arg486Gln (NM_001382235.1, NM_172106.3); c.1427G>A, p.Arg476Gln (NM_004518.6); c.1421G>A, p.Arg474Gln (NM_172108.5); short protein forms R474Q, R476Q, R504Q, R486Q.
Identifiers: ClinVar variation 1416058 (VCV001416058.9), dbSNP rs758575791, ClinGen allele CA9958445.

ClinVar aggregate classification (germline): Uncertain significance. Review status: criteria provided, multiple submitters, no conflicts (2 of 4 stars). 2 submissions from 2 submitters: Uncertain significance (2). Last evaluated 2025-08-06.

Conditions:
Early-infantile DEE. Also called: Early infantile epileptic encephalopathy; Ohtahara syndrome; Early infantile epileptic encephalopathy with suppression bursts. Identifiers: Orphanet 1934, MedGen C0393706, MONDO:0800491.

Allele frequency attached by ClinVar (database versions not stated): TOPMed below 0.00001; ExAC 0.00001; gnomAD 0.00001; gnomAD exomes 0.00001 and 0.00002.

Submissions (2):

Labcorp Genetics (formerly Invitae), Labcorp
Classification: Uncertain significance for Early-infantile DEE. Last evaluated: 2025-08-06. Review status: criteria provided, single submitter. Criteria: Invitae Variant Classification Sherloc (09022015). Collection method: clinical testing. Allele origin: germline.
Comment: This sequence change replaces arginine, which is basic and polar, with glutamine, which is neutral and polar, at codon 504 of the KCNQ2 protein (p.Arg504Gln). This variant is present in population databases (rs758575791, gnomAD 0.03%). This variant has not been reported in the literature in individuals affected with KCNQ2-related conditions. ClinVar contains an entry for this variant (Variation ID: 1416058). Invitae Evidence Modeling of protein sequence and biophysical properties (such as structural, functional, and spatial information, amino acid conservation, physicochemical variation, residue mobility, and thermodynamic stability) indicates that this missense variant is expected to disrupt KCNQ2 protein function with a positive predictive value of 95%. In summary, the available evidence is currently insufficient to determine the role of this variant in disease. Therefore, it has been classified as a Variant of Uncertain Significance.

Revvity Omics, Revvity
Classification: Uncertain significance. Last evaluated: 2022-11-02. Review status: criteria provided, single submitter. Criteria: ACMG Guidelines, 2015. Collection method: clinical testing. Allele origin: germline.